The following is an entry in ClinVar:

NM_000038.6(APC):c.773_774del (p.Glu258fs)

Gene: APC (APC regulator of Wnt signaling pathway; plus strand). Cytogenetic location: 5q22.2.
Variant type: Deletion.
Coding change: c.773_774del on transcript NM_000038.6 (MANE Select); coding-DNA positions 773 to 774, 2 bases deleted (AG; older notation c.773_774delAG).
Protein change: p.Glu258fs; shifts the reading frame from glutamic acid 258.
Molecular consequence: frameshift variant. On other transcripts: 5 prime UTR variant (4), non-coding transcript variant (2).
Genome position (GRCh38, 1-based): chr5:112,801,322-112,801,323, AG deleted; deleting any 2 consecutive bases within chr5:112,801,321-112,801,323 gives the same sequence; the c. name uses the placement nearest the transcript's 3' end. VCF-style (leftmost placement, unchanged base first): chr5-112801320-TGA-T. GRCh37 (hg19) VCF-style: chr5-112137017-TGA-T.
Other names: c.773_774del, p.Glu258fs (NM_001127510.3, NM_001354895.2, NM_001354896.2 and 12 more transcripts); c.719_720del, p.Glu240fs (NM_001127511.3); c.803_804del, p.Glu268fs (NM_001354897.2, NM_001354902.2, NM_001407446.1); c.698_699del, p.Glu233fs (NM_001354898.2, NM_001354904.2, NM_001407451.1); c.689_690del, p.Glu230fs (NM_001354899.2, NM_001407452.1, NM_001407467.1 and 1 more transcripts); c.596_597del, p.Glu199fs (NM_001354900.2, NM_001354901.2, NM_001354905.2 and 1 more transcripts); c.-263_-262del (NM_001354906.2, NM_001407470.1, NM_001407471.1 and 1 more transcripts); short protein forms E199fs, E230fs, E233fs, E240fs, E258fs, E268fs.
Identifiers: ClinVar variation 2583344 (VCV002583344.1), dbSNP rs2532753070, ClinGen allele CA2582341403.

ClinVar aggregate classification (germline): Pathogenic (1 of 4 stars; one submission).

Conditions:
Familial adenomatous polyposis 1 (FAP1). Also called: POLYPOSIS, ADENOMATOUS INTESTINAL; FAMILIAL ADENOMATOUS POLYPOSIS 1, ATTENUATED. Identifiers: MedGen C2713442, MONDO:0021056, OMIM 175100. Disease mechanism: loss of function.

Submission:

Myriad Genetics, Inc.
Classification: Pathogenic for Familial adenomatous polyposis 1. Last evaluated: 2023-04-27. Review status: criteria provided, single submitter. Criteria: Myriad Autosomal Dominant, Autosomal Recessive and X-Linked Classification Criteria (2023). Collection method: clinical testing. Allele origin: unknown.
Comment: This variant is considered pathogenic. This variant creates a frameshift predicted to result in premature protein truncation.